The following is an entry in ClinVar:

NM_001083961.2(WDR62):c.2334-6C>A

Gene: WDR62 (WD repeat domain 62; plus strand). Cytogenetic location: 19q13.12.
Variant type: single nucleotide variant.
Coding change: c.2334-6C>A on transcript NM_001083961.2 (MANE Select); 6 bases into the intron before coding-DNA position 2334, C replaced by A.
Molecular consequence: intron variant.
Genome position (GRCh38, 1-based): chr19:36,094,025, C>A. VCF-style: chr19-36094025-C-A. GRCh37 (hg19) VCF-style: chr19-36584927-C-A.
Other names: p.?; c.2334-6C>A (NM_173636.5).
Identifiers: ClinVar variation 160266 (VCV000160266.26), dbSNP rs138928852, ClinGen allele CA173916.

ClinVar aggregate classification (germline): Benign. Review status: criteria provided, multiple submitters, no conflicts (2 of 4 stars). 8 submissions from 8 submitters: Benign (7). 1 of the submissions does not count toward it. Last evaluated 2026-01-16.

Conditions:
WDR62-related disorder. Also called: WDR62-related condition.
Microcephaly 2, primary, autosomal recessive, with or without cortical malformations. Also called: MICROCEPHALY 2, PRIMARY, AUTOSOMAL RECESSIVE, WITH CORTICAL MALFORMATIONS; WDR62 Primary Microcephaly. Identifiers: Orphanet 2512, MedGen C1858535, MONDO:0011435, OMIM 604317.

Allele frequency attached by ClinVar (database versions not stated): gnomAD exomes 0.00041 and 0.00107; ExAC 0.00136; 1000 Genomes Project 30x 0.00328; 1000 Genomes Project 0.00359; gnomAD 0.00429 and 0.00461; TOPMed 0.00476; ESP Exome Variant Server 0.00492.

Submissions (10):

Labcorp Genetics (formerly Invitae), Labcorp
Classification: Benign. Last evaluated: 2026-01-16. Review status: criteria provided, single submitter. Criteria: Invitae Variant Classification Sherloc (09022015). Collection method: clinical testing. Allele origin: germline.

Genome-Nilou Lab
Classification: Benign for Microcephaly 2, primary, autosomal recessive, with or without cortical malformations. Last evaluated: 2021-12-05. Review status: criteria provided, single submitter. Criteria: ACMG Guidelines, 2015. Collection method: clinical testing. Allele origin: germline. Affected: no.

Mayo Clinic Laboratories, Mayo Clinic
Classification: Benign. Last evaluated: 2019-03-20. Review status: criteria provided, single submitter. Criteria: ACMG Guidelines, 2015. Collection method: clinical testing. Allele origin: germline. Observed: 4 variant alleles.

Athena Diagnostics
Classification: Benign. Last evaluated: 2018-04-18. Review status: criteria provided, single submitter. Criteria: Athena Diagnostics Criteria. Collection method: clinical testing. Allele origin: germline.

GeneDx
Classification: Benign. Last evaluated: 2018-04-02. Review status: criteria provided, single submitter. Criteria: GeneDx Variant Classification Process June 2021. Collection method: clinical testing. Allele origin: germline. Affected: yes.

Illumina Laboratory Services, Illumina
Classification: Benign for Microcephaly 2, primary, autosomal recessive, with or without cortical malformations. Last evaluated: 2018-01-13. Review status: criteria provided, single submitter. Criteria: ICSL Variant Classification Criteria 13 December 2019. Collection method: clinical testing. Allele origin: germline.
Comment: This variant was observed in the ICSL laboratory as part of a predisposition screen in an ostensibly healthy population. It had not been previously curated by ICSL or reported in the Human Gene Mutation Database (HGMD: prior to June 1st, 2018), and was therefore a candidate for classification through an automated scoring system. Utilizing variant allele frequency, disease prevalence and penetrance estimates, and inheritance mode, an automated score was calculated to assess if this variant is too frequent to cause the disease. Based on the score and internal cut-off values, a variant classified as benign is not then subjected to further curation. The score for this variant resulted in a classification of benign for this disease.

Genetic Services Laboratory, University of Chicago
Classification: Benign. Last evaluated: 2015-12-03. Review status: criteria provided, single submitter. Criteria: ACMG Guidelines, 2015. Collection method: clinical testing. Allele origin: germline. Affected: no.

PreventionGenetics, part of Exact Sciences
Classification: Likely benign for WDR62-related condition. Last evaluated: 2020-04-17. Review status: no assertion criteria provided. Collection method: clinical testing. Allele origin: germline. Not counted in ClinVar's aggregate classification.
Comment: This variant is classified as likely benign based on ACMG/AMP sequence variant interpretation guidelines (Richards et al. 2015 PMID: 25741868, with internal and published modifications).

Dr. Peter K. Rogan Lab, Western University
No classification provided (evidence only). Condition: Familial cancer of breast. Review status: no classification provided. Collection method: in vitro. Allele origin: not applicable. Functional consequence: retained intron. Not counted in ClinVar's aggregate classification.

Dr. Peter K. Rogan Lab, Western University
No classification provided (evidence only). Condition: Gastric cancer. Review status: no classification provided. Collection method: in vitro. Allele origin: not applicable. Functional consequence: retained intron. Not counted in ClinVar's aggregate classification.